The following is an entry in ClinVar:

ClinVar aggregate classification (germline): Likely benign. Review status: reviewed by expert panel (3 of 4 stars). 8 submissions from 8 submitters: Likely benign (1). 7 of the submissions do not count toward it. Last evaluated 2017-06-29.

Conditions:
BRCA2-related cancer predisposition. Identifiers: MedGen CN377758, MONDO:0700269.
Hereditary cancer-predisposing syndrome. Also called: Hereditary neoplastic syndrome; Tumor predisposition; Neoplastic Syndromes, Hereditary; Hereditary Cancer Syndrome. Identifiers: Orphanet 140162, MedGen C0027672, MeSH D009386, MONDO:0015356.
Hereditary breast ovarian cancer syndrome. Also called: Breast and ovarian cancer; Hereditary breast and ovarian cancer syndrome; Hereditary breast and ovarian cancer; Hereditary breast and/or ovarian cancer syndrome; Hereditary breast and ovarian cancer syndrome (HBOC); BRCA1- and BRCA2-Associated Hereditary Breast and Ovarian Cancer. Identifiers: Orphanet 145, MedGen C0677776, MeSH D061325, MONDO:0003582. Disease mechanism: loss of function.
Breast-ovarian cancer, familial, susceptibility to, 2 (BROVCA2). Also called: BRCA2 Hereditary Breast and Ovarian Cancer. Identifiers: Orphanet 145, MedGen C2675520, MONDO:0012933, OMIM 612555. Disease mechanism: loss of function.

Allele frequency attached by ClinVar (database versions not stated): gnomAD exomes below 0.00001 and 0.00001; ExAC 0.00001; gnomAD 0.00003 and 0.00004; TOPMed 0.00005; ESP Exome Variant Server 0.00015.
gnomAD v4.1: 16 of 1,613,590 alleles (0.00099%); highest among the groups gnomAD compares: African/African-American, 0.019%; no homozygotes.

Submissions (8):

Evidence-based Network for the Interpretation of Germline Mutant Alleles (ENIGMA)
Classification: Likely benign for Breast-ovarian cancer, familial, susceptibility to, 2. Last evaluated: 2017-06-29. Review status: reviewed by expert panel. Criteria: ENIGMA BRCA1/2 Classification Criteria (2017-06-29). Collection method: curation. Allele origin: germline.
Comment: Synonymous substitution variant, with low bioinformatic likelihood to result in a splicing aberration (Splicing prior probability 0.02).

Labcorp Genetics (formerly Invitae), Labcorp
Classification: Likely benign for Hereditary breast ovarian cancer syndrome. Last evaluated: 2026-02-01. Review status: criteria provided, single submitter. Criteria: Invitae Variant Classification Sherloc (09022015). Collection method: clinical testing. Allele origin: germline. Not counted in ClinVar's aggregate classification.

All of Us Research Program, National Institutes of Health
Classification: Likely benign for BRCA2-related cancer predisposition. Last evaluated: 2024-06-17. Review status: criteria provided, single submitter. Criteria: ACMG Guidelines, 2015. Collection method: clinical testing. Allele origin: germline. Inheritance: Autosomal dominant inheritance. Observed: 4 variant alleles, 4 heterozygotes. Not counted in ClinVar's aggregate classification.
Comment: This study involves interpretation of variants in research participants for the purpose of population health screening. Participant phenotype was not available at the time of variant classification. Additional details can be found in publication PMID: 35346344, PMCID: PMC8962531

Sema4
Classification: Likely benign for Hereditary cancer-predisposing syndrome. Last evaluated: 2021-05-18. Review status: criteria provided, single submitter. Criteria: Sema4 Curation Guidelines. Collection method: curation. Allele origin: germline. Not counted in ClinVar's aggregate classification.

GeneDx
Classification: Likely benign. Last evaluated: 2021-01-21. Review status: criteria provided, single submitter. Criteria: GeneDx Variant Classification Process June 2021. Collection method: clinical testing. Allele origin: germline. Affected: yes. Not counted in ClinVar's aggregate classification.

Women's Health and Genetics/Laboratory Corporation of America, LabCorp
Classification: Likely benign. Last evaluated: 2020-09-27. Review status: criteria provided, single submitter. Criteria: LabCorp Variant Classification Summary - May 2015. Collection method: clinical testing. Allele origin: germline. Not counted in ClinVar's aggregate classification.

Ambry Genetics
Classification: Likely benign for Hereditary cancer-predisposing syndrome. Last evaluated: 2015-12-31. Review status: criteria provided, single submitter. Criteria: Ambry Variant Classification Scheme 2023. Collection method: clinical testing. Allele origin: germline. Not counted in ClinVar's aggregate classification.

Color Diagnostics, LLC DBA Color Health
Classification: Likely benign for Hereditary cancer-predisposing syndrome. Last evaluated: 2015-04-25. Review status: criteria provided, single submitter. Criteria: ACMG Guidelines, 2015. Collection method: clinical testing. Allele origin: germline. Not counted in ClinVar's aggregate classification.

NM_000059.4(BRCA2):c.7341T>C (p.Asn2447=)

Gene: BRCA2 (BRCA2 DNA repair associated; plus strand). Cytogenetic location: 13q13.1.
Variant type: single nucleotide variant.
Coding change: c.7341T>C on transcript NM_000059.4 (MANE Select); coding-DNA position 7341, T replaced by C.
Protein change: p.Asn2447=; no amino-acid change (asparagine 2447 retained).
Molecular consequence: synonymous variant.
Genome position (GRCh38, 1-based): chr13:32,355,194, T>C. VCF-style: chr13-32355194-T-C. GRCh37 (hg19) VCF-style: chr13-32929331-T-C.
Identifiers: ClinVar variation 381039 (VCV000381039.26), dbSNP rs4986858, ClinGen allele CA6941082.
Genomic context (GRCh38, chr13:32,355,194, plus strand): 5'-CTTGGAGGAAAACAGACAAAAGCAAAACATTGATGGACATGGCTCTGATGATAGTAAAAA[T>C]AAGATTAATGACAATGAGATTCATCAGTTTAACAAAAACAACTCCAATCAAGCAGTAGCT-3'
Protein context (NP_000050.3, residues 2437-2457): IDGHGSDDSK[Asn2447=]KINDNEIHQF